The following is an entry in ClinVar:

NM_005633.4(SOS1):c.698A>G (p.Asn233Ser)

Gene: SOS1 (SOS Ras/Rac guanine nucleotide exchange factor 1; minus strand). Cytogenetic location: 2p22.1.
Variant type: single nucleotide variant.
Coding change: c.698A>G on transcript NM_005633.4 (MANE Select); coding-DNA position 698, A replaced by G.
Protein change: p.Asn233Ser; replaces asparagine 233 with serine.
Molecular consequence: missense variant.
Genome position (GRCh38, 1-based): chr2:39,054,636, T>C on the plus strand (A>G on the coding strand, the complement: SOS1 is on the minus strand). VCF-style: chr2-39054636-T-C. GRCh37 (hg19) VCF-style: chr2-39281777-T-C.
Other names: NM_005633.3(SOS1):c.698A>G; c.677A>G, p.Asn226Ser (NM_001382394.1); c.698A>G, p.Asn233Ser (NM_001382395.1); short protein forms N233S, N226S.
Identifiers: ClinVar variation 197778 (VCV000197778.27), dbSNP rs144934321, ClinGen allele CA246107.

ClinVar aggregate classification (germline): Likely benign. Review status: reviewed by expert panel (3 of 4 stars). 9 submissions from 9 submitters: Likely benign (1). 8 of the submissions do not count toward it. Last evaluated 2017-04-18.

Conditions:
SOS1-related disorder. Also called: SOS1-related condition.
RASopathy. Also called: rasopathies; Noonan spectrum disorder. Identifiers: Orphanet 536391, MedGen C5555857, MONDO:0021060.
Cardiovascular phenotype. Identifiers: MedGen CN230736.
Noonan syndrome (NS). Also called: Noonan's syndrome. Identifiers: Orphanet 648, MedGen C0028326, MeSH D009634, MONDO:0018997. Disease mechanism: gain of function.

Allele frequency attached by ClinVar (database versions not stated): gnomAD exomes 0.00002 and 0.00004; ExAC 0.00007; gnomAD 0.00023 and 0.00026; TOPMed 0.00025; ESP Exome Variant Server 0.00039.
gnomAD v4.1: 56 of 1,573,174 alleles (0.0036%); highest among the groups gnomAD compares: African/African-American, 0.073%; no homozygotes.

Submissions (9):

ClinGen RASopathy Variant Curation Expert Panel
Classification: Likely benign for Noonan syndrome and Noonan-related syndrome. Last evaluated: 2017-04-18. Review status: reviewed by expert panel. Criteria: ClinGen RASopathy ACMG Specifications v1. Collection method: curation. Allele origin: germline. Inheritance: Autosomal dominant inheritance.
Comment: The filtering allele frequency of the c.698A>G (p.Asn233Ser) variant in the SOS1 gene is 0.0393% (8/10108) of African chromosomes by the Exome Aggregation Consortium, which is a high enough frequency to be classified as likely benign based on thresholds defined by the ClinGen RASopathy Expert Panel (BS1; PMID:29493581)

Labcorp Genetics (formerly Invitae), Labcorp
Classification: Likely benign for RASopathy. Last evaluated: 2025-12-14. Review status: criteria provided, single submitter. Criteria: Invitae Variant Classification Sherloc (09022015). Collection method: clinical testing. Allele origin: germline. Not counted in ClinVar's aggregate classification.

Mayo Clinic Laboratories, Mayo Clinic
Classification: Benign. Last evaluated: 2020-07-16. Review status: criteria provided, single submitter. Criteria: ACMG Guidelines, 2015. Collection method: clinical testing. Allele origin: germline. Observed: 2 variant alleles. Not counted in ClinVar's aggregate classification.

Women's Health and Genetics/Laboratory Corporation of America, LabCorp
Classification: Likely benign. Last evaluated: 2020-06-29. Review status: criteria provided, single submitter. Criteria: LabCorp Variant Classification Summary - May 2015. Collection method: clinical testing. Allele origin: germline. Not counted in ClinVar's aggregate classification.
Comment: Variant summary: SOS1 c.698A>G (p.Asn233Ser) results in a conservative amino acid change located in the Dbl homology (DH) domain (IPR000219) of the encoded protein sequence. Four of five in-silico tools predict a benign effect of the variant on protein function. The variant allele was found at a frequency of 4.4e-05 in 250876 control chromosomes, predominantly at a frequency of 0.00062 within the African or African-American subpopulation in the gnomAD database. The observed variant frequency within African or African-American control individuals in the gnomAD database is approximately 21-fold of the estimated maximal expected allele frequency for a pathogenic variant in SOS1 causing Noonan Syndrome And Related Conditions phenotype (3e-05), strongly suggesting that the variant is a benign polymorphism found primarily in populations of African or African-American origin. To our knowledge, no occurrence of c.698A>G in individuals affected with Noonan Syndrome And Related Conditions and no experimental evidence demonstrating its impact on protein function have been reported. A ClinVar submitter (evaluation after 2014) cites the variant as uncertain significance while, the ClinGen RASopathy Variant Curation Expert Panel (evaluation after 2014) cites the variant as likely benign. Based on the evidence outlined above, the variant was classified as likely benign.

Ambry Genetics
Classification: Likely benign for Cardiovascular phenotype. Last evaluated: 2019-06-24. Review status: criteria provided, single submitter. Criteria: Ambry Variant Classification Scheme 2023. Collection method: clinical testing. Allele origin: germline. Not counted in ClinVar's aggregate classification.

GeneDx
Classification: Benign. Last evaluated: 2019-03-19. Review status: criteria provided, single submitter. Criteria: GeneDx Variant Classification Process June 2021. Collection method: clinical testing. Allele origin: germline. Affected: yes. Not counted in ClinVar's aggregate classification.

Eurofins Ntd Llc (ga)
Classification: Uncertain significance. Last evaluated: 2014-12-30. Review status: criteria provided, single submitter. Criteria: EGL Classification Definitions 2015. Collection method: clinical testing. Allele origin: germline. Observed: 1 variant allele, 1 heterozygote. Not counted in ClinVar's aggregate classification.

PreventionGenetics, part of Exact Sciences
Classification: Likely benign for SOS1-related condition. Last evaluated: 2020-05-11. Review status: no assertion criteria provided. Collection method: clinical testing. Allele origin: germline. Not counted in ClinVar's aggregate classification.
Comment: This variant is classified as likely benign based on ACMG/AMP sequence variant interpretation guidelines (Richards et al. 2015 PMID: 25741868, with internal and published modifications).

Service de Génétique Moléculaire, Hôpital Robert Debré
Classification: Uncertain significance for Noonan syndrome. Review status: no assertion criteria provided. Collection method: clinical testing. Allele origin: unknown. Affected: yes. Not counted in ClinVar's aggregate classification.